The following is an entry in ClinVar:

NC_012920.1(MT-TL2):m.12302C>T

Gene: MT-TL2 (mitochondrially encoded tRNA leucine 2 (CUN); plus strand).
Variant type: single nucleotide variant.
Genome position: chrM-12302-C-T.
Identifiers: ClinVar variation 690192 (VCV000690192.1), dbSNP rs1603223658, ClinGen allele CA913170038.

ClinVar aggregate classification (germline): Uncertain significance (1 of 4 stars; one submission).

Conditions:
MELAS syndrome (MELAS). Also called: Juvenile myopathy, encephalopathy, lactic acidosis, stroke. Identifiers: Orphanet 550, MedGen C0162671, MONDO:0010789, OMIM 540000.

Submission:

Wong Mito Lab, Molecular and Human Genetics, Baylor College of Medicine
Classification: Uncertain significance for MELAS syndrome. Last evaluated: 2019-07-12. Review status: criteria provided, single submitter. Criteria: Modified ACMG Guidelines (Unpublished). Collection method: clinical testing. Allele origin: germline.
Comment: The NC_012920.1:m.12302C>T variant in MT-TL2 gene is interpreted to be a Unknown Significance variant based on the modified ACMG guidelines (unpublished). This variant meets the following evidence codes reported in the guidelines: BP4

Literature cited by the submitters: PubMed 31965079.